The following is an entry in ClinVar:

ClinVar aggregate classification (germline): Likely pathogenic (0 of 4 stars; one submission).

Conditions:
Congenital myasthenic syndrome (CMS). Also called: Congenital Myasthenic Syndromes. Identifiers: Orphanet 590, MedGen C0751882, MeSH D020294, MONDO:0018940.

Submission:

Department of Molecular Biology and Genetics, Al-Quds University
Classification: Likely pathogenic for Congenital myasthenic syndrome. Last evaluated: 2025-01-16. Review status: no assertion criteria provided. Collection method: clinical testing. Allele origin: inherited. Affected: yes. Observed: 2 variant alleles.
Comment: This sequence change (c.1217G>A) results in a missense variant (p.Gly406Glu) in the COLQ gene. COLQ is associated with Congenital Myasthenic Syndrome (CMS) with endplate acetylcholinesterase deficiency. This variant is absent from population databases (gnomAD) and it has not been reported in the literature or functionally characterized. The most common symptoms that were observed in patients with this variant are ptosis, muscle weakness and recurrent respiratory infections

NM_005677.4(COLQ):c.1217G>A (p.Gly406Glu)

Gene: COLQ (collagen like tail subunit of asymmetric acetylcholinesterase; minus strand). Cytogenetic location: 3p25.1.
Variant type: single nucleotide variant.
Coding change: c.1217G>A on transcript NM_005677.4 (MANE Select); coding-DNA position 1217, G replaced by A.
Protein change: p.Gly406Glu; replaces glycine 406 with glutamic acid.
Molecular consequence: missense variant.
Genome position (GRCh38, 1-based): chr3:15,453,910, C>T on the plus strand (G>A on the coding strand, the complement: COLQ is on the minus strand). VCF-style: chr3-15453910-C-T. GRCh37 (hg19) VCF-style: chr3-15495417-C-T.
Other names: c.1187G>A, p.Gly396Glu (NM_080538.2); c.1115G>A, p.Gly372Glu (NM_080539.4); short protein forms G372E, G396E, G406E.
Identifiers: ClinVar variation 3767272 (VCV003767272.1).